The following is an entry in ClinVar:

ClinVar aggregate classification (germline): Uncertain significance (1 of 4 stars; one submission).

Conditions:
Inborn genetic diseases. Identifiers: MedGen C0950123, MeSH D030342.

Submission:

Ambry Genetics
Classification: Uncertain significance for Inborn genetic diseases. Last evaluated: 2025-11-04. Review status: criteria provided, single submitter. Criteria: Ambry Variant Classification Scheme 2023. Collection method: clinical testing. Allele origin: germline.
Comment: The p.R219S variant (also known as c.655C>A), located in coding exon 6 of the USB1 gene, results from a C to A substitution at nucleotide position 655. The arginine at codon 219 is replaced by serine, an amino acid with dissimilar properties. This amino acid position is conserved. In addition, this alteration is predicted to be tolerated by in silico analysis. Based on the available evidence, the clinical significance of this variant remains unclear.

NM_024598.4(USB1):c.655C>A (p.Arg219Ser)

Gene: USB1 (U6 snRNA biogenesis phosphodiesterase 1; plus strand). Cytogenetic location: 16q21.
Variant type: single nucleotide variant.
Coding change: c.655C>A on transcript NM_024598.4 (MANE Select); coding-DNA position 655, C replaced by A.
Protein change: p.Arg219Ser; replaces arginine 219 with serine.
Molecular consequence: missense variant.
Genome position (GRCh38, 1-based): chr16:58,019,017, C>A. VCF-style: chr16-58019017-C-A. GRCh37 (hg19) VCF-style: chr16-58052921-C-A.
Other names: c.601C>A, p.Arg201Ser (NM_001195302.2); c.502C>A, p.Arg168Ser (NM_001330568.2); short protein forms R168S, R219S, R201S.
Identifiers: ClinVar variation 4634203 (VCV004634203.1).
Genomic context (GRCh38, chr16:58,019,017, plus strand): 5'-CGTTTCCCTCCCCAGGATCCTTCTTTCCACCTCAGCCTGGCCTGGTGTGTGGGTGATGCA[C>A]GTCTCCAGCTGGAGGGGCAGTGCCTGCAGGAACTACAGGTGAATTTCCAGGGCGGGAGCA-3'
Protein context (NP_078874.2, residues 209-229): LSLAWCVGDA[Arg219Ser]LQLEGQCLQE